The following is an entry in ClinVar:

ClinVar aggregate classification (germline): Benign. Review status: criteria provided, multiple submitters, no conflicts (2 of 4 stars). 2 submissions from 2 submitters: Benign (2). Last evaluated 2018-01-13.

Conditions:
Neurodegeneration with brain iron accumulation 4 (NBIA4). Also called: MITOCHONDRIAL PROTEIN-ASSOCIATED NEURODEGENERATION. Identifiers: Orphanet 289560, MedGen C3280371, MONDO:0013674, OMIM 614298. Disease mechanism: loss of function.

Allele frequency attached by ClinVar (database versions not stated): TOPMed 0.04830; gnomAD 0.05157 and 0.05842; gnomAD exomes 0.08497 and 0.08720; 1000 Genomes Project 30x 0.09447; 1000 Genomes Project 0.10144; ExAC 0.13605.
gnomAD v4.1: 34,995 of 454,032 alleles (7.7%); highest among the groups gnomAD compares: East Asian, 19%; 2,032 homozygotes.

Submissions (2):

Illumina Laboratory Services, Illumina
Classification: Benign for Neurodegeneration with brain iron accumulation 4. Last evaluated: 2018-01-13. Review status: criteria provided, single submitter. Criteria: ICSL Variant Classification Criteria 13 December 2019. Collection method: clinical testing. Allele origin: germline.
Comment: This variant was observed in the ICSL laboratory as part of a predisposition screen in an ostensibly healthy population. It had not been previously curated by ICSL or reported in the Human Gene Mutation Database (HGMD: prior to June 1st, 2018), and was therefore a candidate for classification through an automated scoring system. Utilizing variant allele frequency, disease prevalence and penetrance estimates, and inheritance mode, an automated score was calculated to assess if this variant is too frequent to cause the disease. Based on the score and internal cut-off values, a variant classified as benign is not then subjected to further curation. The score for this variant resulted in a classification of benign for this disease.

Breakthrough Genomics
Classification: Benign. Review status: criteria provided, single submitter. Criteria: ACMG Guidelines, 2015. Collection method: not provided. Allele origin: germline. Inheritance: Autosomal recessive inheritance. Affected: yes.

NM_031448.6(C19orf12):c.*1145G>A

Gene: C19orf12 (chromosome 19 open reading frame 12; minus strand). Cytogenetic location: 19q12.
Variant type: single nucleotide variant.
Coding change: c.*1145G>A on transcript NM_031448.6 (MANE Select); 1145 bases downstream of the stop codon, G replaced by A.
Molecular consequence: 3 prime UTR variant.
Genome position (GRCh38, 1-based): chr19:29,701,567, C>T on the plus strand (G>A on the coding strand, the complement: C19orf12 is on the minus strand). VCF-style: chr19-29701567-C-T. GRCh37 (hg19) VCF-style: chr19-30192474-C-T.
Other names: c.*1145G>A (NM_001031726.4, NM_001256047.2, NM_001282929.1 and 2 more transcripts); c.*1192G>A (NM_001256046.3).
Identifiers: ClinVar variation 328706 (VCV000328706.6), dbSNP rs62105840, ClinGen allele CA9351764.